The following is an entry in ClinVar:

ClinVar aggregate classification (germline): Pathogenic (1 of 4 stars; one submission).

Submission:

Labcorp Genetics (formerly Invitae), Labcorp
Classification: Pathogenic. Last evaluated: 2023-08-08. Review status: criteria provided, single submitter. Criteria: Invitae Variant Classification Sherloc (09022015). Collection method: clinical testing. Allele origin: germline.
Comment: This sequence change creates a premature translational stop signal (p.Arg445Alafs*7) in the TMC1 gene. It is expected to result in an absent or disrupted protein product. Loss-of-function variants in TMC1 are known to be pathogenic (PMID: 11850618, 22105175). This variant is not present in population databases (gnomAD no frequency). This variant has not been reported in the literature in individuals affected with TMC1-related conditions. For these reasons, this variant has been classified as Pathogenic.

Literature cited by the submitters: PubMed 11850618; PubMed 22105175.

NM_138691.3(TMC1):c.1332del (p.Arg445fs)

Gene: TMC1 (transmembrane channel like 1; plus strand). Cytogenetic location: 9q21.13.
Variant type: Deletion.
Coding change: c.1332del on transcript NM_138691.3 (MANE Select); coding-DNA position 1332, one base deleted (A; older notation c.1332delA).
Protein change: p.Arg445fs; shifts the reading frame from arginine 445.
Molecular consequence: frameshift variant.
Genome position (GRCh38, 1-based): chr9:72,791,993, A deleted. VCF-style (leftmost placement, unchanged base first): chr9-72791992-GA-G. GRCh37 (hg19) VCF-style: chr9-75406908-GA-G.
Other names: short protein forms R445fs.
Identifiers: ClinVar variation 2751167 (VCV002751167.3), dbSNP rs2489926306, ClinGen allele CA2695210616.
Genomic context (GRCh38, chr9:72,791,992, plus strand): 5'-TTGACTTATTTGCTGAATTAGAAGACTACCATCCTCTCATCGCTTTGAAATGGCTACTGG[GA>G]CGCATTTTTGCTCTTCTTTTAGGCAATTTATACGTATTTATTCTTGCATTAATGGATGAG-3'